The following is an entry in ClinVar:

ClinVar aggregate classification (germline): Uncertain significance (1 of 4 stars; one submission).

Conditions:
Neuropathy, hereditary sensory and autonomic, type 2A (HSAN2A). Also called: ACROOSTEOLYSIS, GIACCAI TYPE; ACROOSTEOLYSIS, NEUROGENIC; MORVAN DISEASE; NEUROPATHY, CONGENITAL SENSORY; NEUROPATHY, HEREDITARY SENSORY RADICULAR, AUTOSOMAL RECESSIVE; NEUROPATHY, HEREDITARY SENSORY, TYPE IIA. Identifiers: Orphanet 970, MedGen C2752089, MONDO:0024309, OMIM 201300.
Pseudohypoaldosteronism type 2C (PHA2C). Also called: Pseudohypoaldosteronism Type IIC. Identifiers: Orphanet 757, Orphanet 88940, MedGen C1840391, MONDO:0013778, OMIM 614492.

Allele frequency attached by ClinVar (database versions not stated): gnomAD exomes below 0.00001.
gnomAD v4.1: 1 of 1,613,954 alleles (0.000062%); highest among the groups gnomAD compares: African/African-American, 0.0013%; no homozygotes.

Submission:

Labcorp Genetics (formerly Invitae), Labcorp
Classification: Uncertain significance for Neuropathy, hereditary sensory and autonomic, type 2A; Pseudohypoaldosteronism type 2C. Last evaluated: 2023-05-30. Review status: criteria provided, single submitter. Criteria: Invitae Variant Classification Sherloc (09022015). Collection method: clinical testing. Allele origin: germline.
Comment: In summary, the available evidence is currently insufficient to determine the role of this variant in disease. Therefore, it has been classified as a Variant of Uncertain Significance. Advanced modeling of protein sequence and biophysical properties (such as structural, functional, and spatial information, amino acid conservation, physicochemical variation, residue mobility, and thermodynamic stability) performed at Invitae indicates that this missense variant is not expected to disrupt WNK1 protein function. This variant has not been reported in the literature in individuals affected with WNK1-related conditions. This variant is present in population databases (no rsID available, gnomAD 0.007%). This sequence change replaces valine, which is neutral and non-polar, with leucine, which is neutral and non-polar, at codon 982 of the WNK1 protein (p.Val982Leu).

NM_213655.5(WNK1):c.2944G>C (p.Val982Leu)

Gene: WNK1 (WNK lysine deficient protein kinase 1; plus strand). Cytogenetic location: 12p13.33.
Variant type: single nucleotide variant.
Coding change: c.2944G>C on transcript NM_213655.5 (MANE Plus Clinical); coding-DNA position 2944, G replaced by C.
Protein change: p.Val982Leu; replaces valine 982 with leucine.
Molecular consequence: missense variant. On other transcripts: intron variant (2).
Genome position (GRCh38, 1-based): chr12:868,415, G>C. VCF-style: chr12-868415-G-C. GRCh37 (hg19) VCF-style: chr12-977581-G-C.
Other names: c.2689G>C, p.Val897Leu (NM_001184985.2); c.2140-2850G>C (NM_018979.4, NM_014823.3); short protein forms V982L, V897L.
Identifiers: ClinVar variation 2936713 (VCV002936713.3), dbSNP rs1438960827, ClinGen allele CA383339946.